The following is an entry in ClinVar:

NM_004632.4(DAP3):c.600C>T (p.Asn200=)

Gene: DAP3 (death associated protein 3; plus strand). Cytogenetic location: 1q22.
Variant type: single nucleotide variant.
Coding change: c.600C>T on transcript NM_004632.4 (MANE Select); coding-DNA position 600, C replaced by T.
Protein change: p.Asn200=; no amino-acid change (asparagine 200 retained).
Molecular consequence: synonymous variant.
Genome position (GRCh38, 1-based): chr1:155,727,735, C>T. VCF-style: chr1-155727735-C-T. GRCh37 (hg19) VCF-style: chr1-155697526-C-T.
Other names: c.600C>T, p.Asn200= (NM_001199849.1, NM_033657.2); c.498C>T, p.Asn166= (NM_001199850.1); c.477C>T, p.Asn159= (NM_001199851.1).
Identifiers: ClinVar variation 2639435 (VCV002639435.24), dbSNP rs148371927, ClinGen allele CA1149362.
Genomic context (GRCh38, chr1:155,727,735, plus strand): 5'-ACCTTTAGAGGCTTCAACCTGGCTGAAGAATTTCAAAACTACAAATGAGCGCTTCCTGAA[C>T]CAGGTGACTAGACTCCCAGAAGTTGAGTGCTAGGTAGTCCTTACATGGATTCTTTGTGCC-3'
Protein context (NP_004623.1, residues 190-210): NFKTTNERFL[Asn200=]QIKVQEKYVW

ClinVar aggregate classification (germline): Likely benign (1 of 4 stars; one submission).

Allele frequency attached by ClinVar (database versions not stated): ESP Exome Variant Server 0.00085; TOPMed 0.00112; 1000 Genomes Project 30x 0.00125; 1000 Genomes Project 0.00140; gnomAD exomes 0.00211; ExAC 0.00279; gnomAD 0.00280.
gnomAD v4.1: 3,473 of 1,613,244 alleles (0.22%); highest among the groups gnomAD compares: Middle Eastern, 0.17%; 19 homozygotes.

Submission:

CeGaT Center for Human Genetics Tuebingen
Classification: Likely benign. Last evaluated: 2022-08-01. Review status: criteria provided, single submitter. Criteria: CeGaT Center For Human Genetics Tuebingen Variant Classification Criteria Version 2. Collection method: clinical testing. Allele origin: germline. Affected: yes. Observed: 2 variant alleles.
Comment: DAP3: BP4, BP7